The following is an entry in ClinVar:

NM_001029883.3(PCARE):c.1850G>A (p.Arg617Lys)

Gene: PCARE (photoreceptor cilium actin regulator; minus strand). Cytogenetic location: 2p23.2.
Variant type: single nucleotide variant.
Coding change: c.1850G>A on transcript NM_001029883.3 (MANE Select); coding-DNA position 1850, G replaced by A.
Protein change: p.Arg617Lys; replaces arginine 617 with lysine.
Molecular consequence: missense variant.
Genome position (GRCh38, 1-based): chr2:29,072,412, C>T on the plus strand (G>A on the coding strand, the complement: PCARE is on the minus strand). VCF-style: chr2-29072412-C-T. GRCh37 (hg19) VCF-style: chr2-29295278-C-T.
Other names: short protein forms R617K.
Identifiers: ClinVar variation 1916618 (VCV001916618.5), dbSNP rs1667507325, ClinGen allele CA346478780.

ClinVar aggregate classification (germline): Uncertain significance (1 of 4 stars; one submission).

Submission:

Labcorp Genetics (formerly Invitae), Labcorp
Classification: Uncertain significance. Last evaluated: 2022-08-16. Review status: criteria provided, single submitter. Criteria: Invitae Variant Classification Sherloc (09022015). Collection method: clinical testing. Allele origin: germline.
Comment: Algorithms developed to predict the effect of missense changes on protein structure and function output the following: SIFT: "Tolerated"; PolyPhen-2: "Benign"; Align-GVGD: "Class C0". The lysine amino acid residue is found in multiple mammalian species, which suggests that this missense change does not adversely affect protein function. This sequence change replaces arginine, which is basic and polar, with lysine, which is basic and polar, at codon 617 of the PCARE protein (p.Arg617Lys). This variant is not present in population databases (gnomAD no frequency). This variant has not been reported in the literature in individuals affected with PCARE-related conditions. In summary, the available evidence is currently insufficient to determine the role of this variant in disease. Therefore, it has been classified as a Variant of Uncertain Significance.